The following is an entry in ClinVar:

ClinVar aggregate classification (germline): Likely benign (1 of 4 stars; one submission).

Allele frequency attached by ClinVar (database versions not stated): gnomAD exomes 0.00190; ExAC 0.00219; 1000 Genomes Project 0.00879; gnomAD 0.00734 and 0.00685; ESP Exome Variant Server 0.00738; TOPMed 0.00794; 1000 Genomes Project 30x 0.00843.
gnomAD v4.1: 2,012 of 1,613,784 alleles (0.12%); highest among the groups gnomAD compares: African/African-American, 2.3%; 17 homozygotes.

Submission:

GeneDx
Classification: Likely benign. Last evaluated: 2018-06-14. Review status: criteria provided, single submitter. Criteria: GeneDx Variant Classification (06012015). Collection method: clinical testing. Allele origin: germline. Affected: yes.
Comment: This variant is considered likely benign or benign based on one or more of the following criteria: it is a conservative change, it occurs at a poorly conserved position in the protein, it is predicted to be benign by multiple in silico algorithms, and/or has population frequency not consistent with disease.

NM_014141.6(CNTNAP2):c.1083+22A>G

Gene: CNTNAP2 (contactin associated protein 2; plus strand). Cytogenetic location: 7q35.
Variant type: single nucleotide variant.
Coding change: c.1083+22A>G on transcript NM_014141.6 (MANE Select); 22 bases into the intron after coding-DNA position 1083, A replaced by G.
Molecular consequence: intron variant.
Genome position (GRCh38, 1-based): chr7:147,128,858, A>G. VCF-style: chr7-147128858-A-G. GRCh37 (hg19) VCF-style: chr7-146825950-A-G.
Identifiers: ClinVar variation 673219 (VCV000673219.1), dbSNP rs142524655, ClinGen allele CA4545964.
Genomic context (GRCh38, chr7:147,128,858, plus strand): 5'-GATCTTGCCAGAAGGAAGAAATTAGAGCCCTCAAATGTGGTAAGGATTTTCACCCGCAAA[A>G]TATTGGTCTATAAAATATCAAGTAACATTTTTGTTTTTTGGATTATTGAACAACAACAAA-3'